The following is an entry in ClinVar:

NM_001101426.4(CRPPA):c.933+127A>G

Gene: CRPPA (CDP-L-ribitol pyrophosphorylase A; minus strand). Cytogenetic location: 7p21.2.
Variant type: single nucleotide variant.
Coding change: c.933+127A>G on transcript NM_001101426.4 (MANE Select); 127 bases into the intron after coding-DNA position 933, A replaced by G.
Molecular consequence: intron variant.
Genome position (GRCh38, 1-based): chr7:16,278,002, T>C on the plus strand (A>G on the coding strand, the complement: CRPPA is on the minus strand). VCF-style: chr7-16278002-T-C. GRCh37 (hg19) VCF-style: chr7-16317627-T-C.
Other names: NC_000007.13:g.16317627T>C; c.783+127A>G (NM_001101417.4); c.828+127A>G (NM_001368197.1).
Identifiers: ClinVar variation 682006 (VCV000682006.2), dbSNP rs1295127, ClinGen allele CA154748064.

ClinVar aggregate classification (germline): Benign (1 of 4 stars; one submission).

Allele frequency attached by ClinVar (database versions not stated): gnomAD exomes 0.04938; gnomAD 0.09803 and 0.10228; 1000 Genomes Project 0.10343; TOPMed 0.10757; 1000 Genomes Project 30x 0.11056.
gnomAD v4.1: 39,899 of 648,936 alleles (6.1%); highest among the groups gnomAD compares: African/African-American, 24%; 2,444 homozygotes.

Submissions (10):

GeneDx
Classification: Benign. Last evaluated: 2018-06-14. Review status: criteria provided, single submitter. Criteria: GeneDx Variant Classification (06012015). Collection method: clinical testing. Allele origin: germline. Affected: yes.
Comment: This variant is considered likely benign or benign based on one or more of the following criteria: it is a conservative change, it occurs at a poorly conserved position in the protein, it is predicted to be benign by multiple in silico algorithms, and/or has population frequency not consistent with disease.

Dr. Peter K. Rogan Lab, Western University
No classification provided (evidence only). Condition: Lung cancer. Review status: no classification provided. Collection method: in vitro. Allele origin: not applicable. Functional consequence: retained intron. Not counted in ClinVar's aggregate classification.

Dr. Peter K. Rogan Lab, Western University
No classification provided (evidence only). Condition: Lung cancer. Review status: no classification provided. Collection method: in vitro. Allele origin: not applicable. Functional consequence: retained intron. Not counted in ClinVar's aggregate classification.

Dr. Peter K. Rogan Lab, Western University
No classification provided (evidence only). Condition: Acute myeloid leukemia. Review status: no classification provided. Collection method: in vitro. Allele origin: not applicable. Functional consequence: retained intron. Not counted in ClinVar's aggregate classification.

Dr. Peter K. Rogan Lab, Western University
No classification provided (evidence only). Condition: Acute myeloid leukemia. Review status: no classification provided. Collection method: in vitro. Allele origin: not applicable. Functional consequence: retained intron. Not counted in ClinVar's aggregate classification.

Dr. Peter K. Rogan Lab, Western University
No classification provided (evidence only). Condition: Acute myeloid leukemia. Review status: no classification provided. Collection method: in vitro. Allele origin: not applicable. Functional consequence: retained intron. Not counted in ClinVar's aggregate classification.

Dr. Peter K. Rogan Lab, Western University
No classification provided (evidence only). Condition: Cholangiocarcinoma. Review status: no classification provided. Collection method: in vitro. Allele origin: not applicable. Functional consequence: retained intron. Not counted in ClinVar's aggregate classification.

Dr. Peter K. Rogan Lab, Western University
No classification provided (evidence only). Condition: Ovarian serous cystadenocarcinoma. Review status: no classification provided. Collection method: in vitro. Allele origin: not applicable. Functional consequence: retained intron. Not counted in ClinVar's aggregate classification.

Dr. Peter K. Rogan Lab, Western University
No classification provided (evidence only). Condition: Ovarian serous cystadenocarcinoma. Review status: no classification provided. Collection method: in vitro. Allele origin: not applicable. Functional consequence: retained intron. Not counted in ClinVar's aggregate classification.

Dr. Peter K. Rogan Lab, Western University
No classification provided (evidence only). Condition: Ovarian serous cystadenocarcinoma. Review status: no classification provided. Collection method: in vitro. Allele origin: not applicable. Functional consequence: retained intron. Not counted in ClinVar's aggregate classification.